The following is an entry in ClinVar:

NM_000038.6(APC):c.8274A>G (p.Glu2758=)

Gene: APC (APC regulator of Wnt signaling pathway; plus strand). Cytogenetic location: 5q22.2.
Variant type: single nucleotide variant.
Coding change: c.8274A>G on transcript NM_000038.6 (MANE Select); coding-DNA position 8274, A replaced by G.
Protein change: p.Glu2758=; no amino-acid change (glutamic acid 2758 retained).
Molecular consequence: synonymous variant. On other transcripts: non-coding transcript variant (2).
Genome position (GRCh38, 1-based): chr5:112,843,868, A>G. VCF-style: chr5-112843868-A-G. GRCh37 (hg19) VCF-style: chr5-112179565-A-G.
Other names: c.8274A>G, p.Glu2758= (NM_001127510.3, NM_001354895.2, NM_001407450.1); c.8220A>G, p.Glu2740= (NM_001127511.3); c.8328A>G, p.Glu2776= (NM_001354896.2, NM_001407447.1, NM_001407448.1 and 1 more transcripts); c.8304A>G, p.Glu2768= (NM_001354897.2); c.8199A>G, p.Glu2733= (NM_001354898.2); c.8190A>G, p.Glu2730= (NM_001354899.2); c.8151A>G, p.Glu2717= (NM_001354900.2); c.8097A>G, p.Glu2699= (NM_001354901.2, NM_001407453.1); and 12 more.
Identifiers: ClinVar variation 3253971 (VCV003253971.2), dbSNP rs2150002330.
Genomic context (GRCh38, chr5:112,843,868, plus strand): 5'-AAAACCAGGACAAAATAATCCTGTCCCTGTATCAGAGACTAATGAAAGTTCTATAGTGGA[A>G]CGTACCCCATTCAGTTCTAGCAGCTCAAGCAAACACAGTTCACCTAGTGGGACTGTTGCT-3'
Protein context (NP_000029.2, residues 2748-2768): VSETNESSIV[Glu2758=]RTPFSSSSSS

ClinVar aggregate classification (germline): Benign/Likely benign. Review status: criteria provided, multiple submitters, no conflicts (2 of 4 stars). 2 submissions from 2 submitters: Benign (1); Likely benign (1). Last evaluated 2025-08-08.

Conditions:
Hereditary cancer-predisposing syndrome. Also called: Hereditary neoplastic syndrome; Neoplastic Syndromes, Hereditary; Tumor predisposition; Hereditary Cancer Syndrome. Identifiers: Orphanet 140162, MedGen C0027672, MeSH D009386, MONDO:0015356.
Familial adenomatous polyposis 1 (FAP1). Also called: POLYPOSIS, ADENOMATOUS INTESTINAL; FAMILIAL ADENOMATOUS POLYPOSIS 1, ATTENUATED. Identifiers: MedGen C2713442, MONDO:0021056, OMIM 175100. Disease mechanism: loss of function.

Submissions (2):

Ambry Genetics
Classification: Likely benign for Hereditary cancer-predisposing syndrome. Last evaluated: 2025-08-08. Review status: criteria provided, single submitter. Criteria: Ambry Variant Classification Scheme 2023. Collection method: clinical testing. Allele origin: germline.

Myriad Genetics, Inc.
Classification: Benign for Familial adenomatous polyposis 1. Last evaluated: 2024-04-15. Review status: criteria provided, single submitter. Criteria: Myriad Autosomal Dominant, Autosomal Recessive and X-Linked Classification Criteria (2023). Collection method: clinical testing. Allele origin: unknown.
Comment: This variant is considered benign. This variant is a silent/synonymous amino acid change and it is not expected to impact splicing.